The following is an entry in ClinVar:

NM_174936.4(PCSK9):c.1801T>C (p.Cys601Arg)

Gene: PCSK9 (proprotein convertase subtilisin/kexin type 9; plus strand). Cytogenetic location: 1p32.3.
Variant type: single nucleotide variant.
Coding change: c.1801T>C on transcript NM_174936.4 (MANE Select); coding-DNA position 1801, T replaced by C.
Protein change: p.Cys601Arg; replaces cysteine 601 with arginine.
Molecular consequence: missense variant.
Genome position (GRCh38, 1-based): chr1:55,061,494, T>C. VCF-style: chr1-55061494-T-C. GRCh37 (hg19) VCF-style: chr1-55527167-T-C.
Other names: c.1924T>C, p.Cys642Arg (NM_001407240.1); c.1843T>C, p.Cys615Arg (NM_001407241.1); c.1804T>C, p.Cys602Arg (NM_001407242.1); c.1744T>C, p.Cys582Arg (NM_001407243.1); c.1627T>C, p.Cys543Arg (NM_001407244.1); c.1609T>C, p.Cys537Arg (NM_001407245.1); c.1426T>C, p.Cys476Arg (NM_001407246.1); c.1300T>C, p.Cys434Arg (NM_001407247.1); short protein forms C601R, C537R, C582R, C476R, C642R, C543R, C434R, C602R.
Identifiers: ClinVar variation 928028 (VCV000928028.6), dbSNP rs1644758668, ClinGen allele CA340480397.
Genomic context (GRCh38, chr1:55,061,494, plus strand): 5'-CCACGAGGTCAGCCCAACCAGTGCGTGGGCCACAGGGAGGCCAGCATCCACGCTTCCTGC[T>C]GCCATGCCCCAGGTCTGGAATGCAAAGTCAAGGAGCATGGAATCCCGGCCCCTCAGGAGC-3'
Protein context (NP_777596.2, residues 591-611): HREASIHASC[Cys601Arg]HAPGLECKVK

ClinVar aggregate classification (germline): Uncertain significance (1 of 4 stars; one submission).

Conditions:
Familial hypercholesterolemia. Also called: Familial hypercholesterolaemia. Identifiers: MedGen C0020445, MONDO:0005439.

Allele frequency attached by ClinVar (database versions not stated): gnomAD exomes below 0.00001.
gnomAD v4.1: 2 of 1,605,556 alleles (0.00012%); highest among the groups gnomAD compares: Non-Finnish European, 0.00017%; no homozygotes.

Submission:

Color Diagnostics, LLC DBA Color Health
Classification: Uncertain significance for Familial hypercholesterolemia. Last evaluated: 2023-12-05. Review status: criteria provided, single submitter. Criteria: ACMG Guidelines, 2015. Collection method: clinical testing. Allele origin: germline.
Comment: Variant of Uncertain Significance due to insufficient evidence: This missense variant is located in the C-terminal domain of the PCSK9 protein. Computational prediction tools and conservation analyses suggest that this variant may have deleterious impact on the protein function. Computational splicing tools suggest that this variant may not impact RNA splicing. To our knowledge, functional assays have not been performed for this variant nor has this variant been reported in individuals affected with familial hypercholesterolemia in the literature. This variant is rare in the general population and has been identified in 0/277264 chromosomes by the Genome Aggregation Database (gnomAD). Available evidence is insufficient to determine the role of this variant in disease conclusively.